The following is an entry in ClinVar:

NM_182699.4(DDX53):c.1144C>A (p.Leu382Met)

Genes: DDX53 (DEAD-box helicase 53; plus strand), PTCHD1-AS (PTCHD1 antisense RNA (head to head); minus strand). Cytogenetic location: Xp22.11.
Variant type: single nucleotide variant.
Coding change: c.1144C>A on transcript NM_182699.4 (MANE Select); coding-DNA position 1144, C replaced by A.
Protein change: p.Leu382Met; replaces leucine 382 with methionine.
Molecular consequence: missense variant.
Genome position (GRCh38, 1-based): chrX:23,001,201, C>A. VCF-style: chrX-23001201-C-A. GRCh37 (hg19) VCF-style: chrX-23019318-C-A.
Other names: short protein forms L382M.
Identifiers: ClinVar variation 3029126 (VCV003029126.2), dbSNP rs746205056, ClinGen allele CA10368831.
Genomic context (GRCh38, chrX:23,001,201, plus strand): 5'-AATAACTCTGTCAACCTAAGAAGCATAACCTACTTGGTTATAGATGAGGCAGATAAAATG[C>A]TGGATATGGAATTTGAACCCCAGATAAGGAAGATTTTATTAGATGTGCGCCCAGACCGAC-3'
Protein context (NP_874358.2, residues 372-392): YLVIDEADKM[Leu382Met]DMEFEPQIRK

ClinVar aggregate classification (germline): Likely benign (0 of 4 stars; one submission).

Conditions:
DDX53-related disorder. Also called: DDX53-related condition.

Allele frequency attached by ClinVar (database versions not stated): TOPMed 0.00004; gnomAD 0.00005; gnomAD exomes 0.00010; ExAC 0.00013; 1000 Genomes Project 30x 0.00042; 1000 Genomes Project 0.00053.

Submission:

PreventionGenetics, part of Exact Sciences
Classification: Likely benign for DDX53-related condition. Last evaluated: 2022-03-01. Review status: no assertion criteria provided. Collection method: clinical testing. Allele origin: germline.
Comment: This variant is classified as likely benign based on ACMG/AMP sequence variant interpretation guidelines (Richards et al. 2015 PMID: 25741868, with internal and published modifications).